The following is an entry in ClinVar:

ClinVar aggregate classification (germline): Uncertain significance (1 of 4 stars; one submission).

Conditions:
Inborn genetic diseases. Identifiers: MedGen C0950123, MeSH D030342.

Allele frequency attached by ClinVar (database versions not stated): TOPMed below 0.00001.

Submission:

Ambry Genetics
Classification: Uncertain significance for Inborn genetic diseases. Last evaluated: 2023-11-02. Review status: criteria provided, single submitter. Criteria: Ambry Variant Classification Scheme 2023. Collection method: clinical testing. Allele origin: germline.
Comment: The p.T13S variant (also known as c.38C>G), located in coding exon 2 of the SGCD gene, results from a C to G substitution at nucleotide position 38. The threonine at codon 13 is replaced by serine, an amino acid with similar properties. This amino acid position is conserved. In addition, this alteration is predicted to be tolerated by in silico analysis. Since supporting evidence is limited at this time, the clinical significance of this alteration remains unclear.

NM_000337.6(SGCD):c.38C>G (p.Thr13Ser)

Gene: SGCD (sarcoglycan delta; plus strand). Cytogenetic location: 5q33.3.
Variant type: single nucleotide variant.
Coding change: c.38C>G on transcript NM_000337.6 (MANE Select); coding-DNA position 38, C replaced by G.
Protein change: p.Thr13Ser; replaces threonine 13 with serine.
Molecular consequence: missense variant.
Genome position (GRCh38, 1-based): chr5:156,344,523, C>G. VCF-style: chr5-156344523-C-G. GRCh37 (hg19) VCF-style: chr5-155771533-C-G.
Other names: c.35C>G, p.Thr12Ser (NM_001128209.2); c.38C>G, p.Thr13Ser (NM_172244.3); short protein forms T12S, T13S.
Identifiers: ClinVar variation 3231258 (VCV003231258.1), dbSNP rs1768840932, ClinGen allele CA362007570.
Genomic context (GRCh38, chr5:156,344,523, plus strand): 5'-CTTCTCTCTTGCCTCGTTTATTTCAGATGCCTCAGGAGCAGTACACTCACCACCGGAGCA[C>G]CATGCCTGGCTCTGTGGGGCCACAGGTATACAAGGTGGGGATTTATGGCTGGCGGAAACG-3'
Protein context (NP_000328.2, residues 3-23): PQEQYTHHRS[Thr13Ser]MPGSVGPQVY